The following is an entry in ClinVar:

ClinVar aggregate classification (germline): Uncertain significance. Review status: criteria provided, multiple submitters, no conflicts (2 of 4 stars). 3 submissions from 3 submitters: Uncertain significance (2). 1 of the submissions does not count toward it. Last evaluated 2024-02-02.

Conditions:
Deficiency of steroid 11-beta-monooxygenase (CYP11B1). Also called: ADRENAL HYPERPLASIA IV; ADRENAL HYPERPLASIA, CONGENITAL, DUE TO STEROID 11-BETA-HYDROXYLASE DEFICIENCY; 11-BETA-HYDROXYLASE DEFICIENCY; P450C11B1 DEFICIENCY; STEROID 11-BETA-HYDROXYLASE DEFICIENCY; Congenital adrenal hyperplasia due to 11-beta-hydroxylase deficiency. Identifiers: Orphanet 90795, MedGen C0268292, MONDO:0008729, OMIM 202010. Disease mechanism: loss of function.
Glucocorticoid-remediable aldosteronism. Also called: FH I; GLUCOCORTICOID-SUPPRESSIBLE HYPERALDOSTERONISM; ACTH-DEPENDENT HYPERALDOSTERONISM SYNDROME; ALDOSTERONISM, SENSITIVE TO DEXAMETHASONE; Hyperaldosteronism, familial, type I. Identifiers: Orphanet 403, MedGen C3838731, MONDO:0007080, OMIM 103900.

Allele frequency attached by ClinVar (database versions not stated): gnomAD 0.00006; TOPMed 0.00006.

Submissions (3):

Fulgent Genetics
Classification: Uncertain significance for Glucocorticoid-remediable aldosteronism; Deficiency of steroid 11-beta-monooxygenase. Last evaluated: 2024-02-02. Review status: criteria provided, single submitter. Criteria: ACMG Guidelines, 2015. Collection method: clinical testing. Allele origin: germline.

GeneDx
Classification: Uncertain significance. Last evaluated: 2022-03-04. Review status: criteria provided, single submitter. Criteria: GeneDx Variant Classification Process June 2021. Collection method: clinical testing. Allele origin: germline. Affected: yes.
Comment: In silico analysis supports that this missense variant has a deleterious effect on protein structure/function; Has not been previously published as pathogenic or benign to our knowledge; This variant is associated with the following publications: (PMID: 20089618)

Counsyl
Classification: Uncertain significance for Deficiency of steroid 11-beta-monooxygenase. Last evaluated: 2017-02-07. Review status: no assertion criteria provided. Collection method: clinical testing. Allele origin: unknown. Not counted in ClinVar's aggregate classification.

NM_000497.4(CYP11B1):c.1021C>A (p.Arg341Ser)

Genes: CYP11B1 (cytochrome P450 family 11 subfamily B member 1; minus strand), LOC106799833 (CYP11B1 recombination region; plus strand). Cytogenetic location: 8q24.3.
Variant type: single nucleotide variant.
Coding change: c.1021C>A on transcript NM_000497.4 (MANE Select); coding-DNA position 1021, C replaced by A.
Protein change: p.Arg341Ser; replaces arginine 341 with serine.
Molecular consequence: missense variant.
Genome position (GRCh38, 1-based): chr8:142,875,812, G>T on the plus strand (C>A on the coding strand, the complement: CYP11B1 is on the minus strand). VCF-style: chr8-142875812-G-T. GRCh37 (hg19) VCF-style: chr8-143957228-G-T.
Other names: c.1021C>A, p.Arg341Ser (NM_001026213.1); short protein forms R341S.
Identifiers: ClinVar variation 550643 (VCV000550643.6), dbSNP rs372115638, ClinGen allele CA4905177.